The following is an entry in ClinVar:

ClinVar aggregate classification (germline): Uncertain significance (1 of 4 stars; one submission).

Allele frequency attached by ClinVar (database versions not stated): ExAC 0.00001.
gnomAD v4.1: 1 of 1,614,208 alleles (0.000062%); highest among the groups gnomAD compares: East Asian, 0.0022%; no homozygotes.

Submission:

Labcorp Genetics (formerly Invitae), Labcorp
Classification: Uncertain significance. Last evaluated: 2023-11-27. Review status: criteria provided, single submitter. Criteria: Invitae Variant Classification Sherloc (09022015). Collection method: clinical testing. Allele origin: germline.
Comment: This sequence change replaces leucine, which is neutral and non-polar, with phenylalanine, which is neutral and non-polar, at codon 2085 of the ABCA4 protein (p.Leu2085Phe). This variant is present in population databases (rs763910995, gnomAD 0.006%). This variant has not been reported in the literature in individuals affected with ABCA4-related conditions. Advanced modeling of protein sequence and biophysical properties (such as structural, functional, and spatial information, amino acid conservation, physicochemical variation, residue mobility, and thermodynamic stability) performed at Invitae indicates that this missense variant is expected to disrupt ABCA4 protein function with a positive predictive value of 80%. In summary, the available evidence is currently insufficient to determine the role of this variant in disease. Therefore, it has been classified as a Variant of Uncertain Significance.

NM_000350.3(ABCA4):c.6253C>T (p.Leu2085Phe)

Gene: ABCA4 (ATP binding cassette subfamily A member 4; minus strand). Cytogenetic location: 1p22.1.
Variant type: single nucleotide variant.
Coding change: c.6253C>T on transcript NM_000350.3 (MANE Select); coding-DNA position 6253, C replaced by T.
Protein change: p.Leu2085Phe; replaces leucine 2085 with phenylalanine.
Molecular consequence: missense variant.
Genome position (GRCh38, 1-based): chr1:94,001,887, G>A on the plus strand (C>T on the coding strand, the complement: ABCA4 is on the minus strand). VCF-style: chr1-94001887-G-A. GRCh37 (hg19) VCF-style: chr1-94467443-G-A.
Other names: c.6031C>T, p.Leu2011Phe (NM_001425324.1); short protein forms L2085F, L2011F.
Identifiers: ClinVar variation 3010939 (VCV003010939.3), dbSNP rs763910995, ClinGen allele CA956981.